The following is an entry in ClinVar:

NM_004991.4(MECOM):c.1578T>G (p.Ser526Arg)

Gene: MECOM (MDS1 and EVI1 complex locus; minus strand). Cytogenetic location: 3q26.2.
Variant type: single nucleotide variant.
Coding change: c.1578T>G on transcript NM_004991.4 (MANE Select); coding-DNA position 1578, T replaced by G.
Protein change: p.Ser526Arg; replaces serine 526 with arginine.
Molecular consequence: missense variant. On other transcripts: intron variant (2).
Genome position (GRCh38, 1-based): chr3:169,116,294, A>C on the plus strand (T>G on the coding strand, the complement: MECOM is on the minus strand). VCF-style: chr3-169116294-A-C. GRCh37 (hg19) VCF-style: chr3-168834082-A-C.
Other names: c.1209T>G, p.Ser403Arg (NM_001105077.4); c.1014T>G, p.Ser338Arg (NM_001105078.4, NM_001164000.2, NM_001205194.2 and 4 more transcripts); c.1017T>G, p.Ser339Arg (NM_001163999.2, NM_001366467.2, NM_001366468.2 and 1 more transcripts); c.1578T>G, p.Ser526Arg (NM_001366466.2); c.1133-527T>G (NM_001366473.2); c.569-527T>G (NM_001366474.2); short protein forms S403R, S526R, S339R, S338R.
Identifiers: ClinVar variation 4105778 (VCV004105778.1).
Genomic context (GRCh38, chr3:169,116,294, plus strand): 5'-AGATAGTGCCTTCAAAATATCCTGTGTAGCTGGCAGTATCTGAGGATGTGTCATGAGGGG[A>C]CTTTGACTTTTGTTTGTCTGTTCAGTACTTGATAGTCCTTTAACAGGAGAACTAGCAGGT-3'
Protein context (NP_004982.2, residues 516-536): SSTEQTNKSQ[Ser526Arg]PLMTHPQILP

ClinVar aggregate classification (germline): Uncertain significance (1 of 4 stars; one submission).

Conditions:
Inborn genetic diseases. Identifiers: MedGen C0950123, MeSH D030342.

Submission:

Ambry Genetics
Classification: Uncertain significance for Inborn genetic diseases. Last evaluated: 2025-07-17. Review status: criteria provided, single submitter. Criteria: Ambry Variant Classification Scheme 2023. Collection method: clinical testing. Allele origin: germline.
Comment: The p.S526R variant (also known as c.1578T>G), located in coding exon 8 of the MECOM gene, results from a T to G substitution at nucleotide position 1578. The serine at codon 526 is replaced by arginine, an amino acid with dissimilar properties. This amino acid position is conserved. In addition, the in silico prediction for this alteration is inconclusive. Based on the available evidence, the clinical significance of this variant remains unclear.